The following is an entry in ClinVar:

NM_000501.4(ELN):c.659C>T (p.Pro220Leu)

Gene: ELN (elastin; plus strand). Cytogenetic location: 7q11.23.
Variant type: single nucleotide variant.
Coding change: c.659C>T on transcript NM_000501.4 (MANE Select); coding-DNA position 659, C replaced by T.
Protein change: p.Pro220Leu; replaces proline 220 with leucine.
Molecular consequence: missense variant. On other transcripts: intron variant (2).
Genome position (GRCh38, 1-based): chr7:74,047,690, C>T. VCF-style: chr7-74047690-C-T. GRCh37 (hg19) VCF-style: chr7-73462020-C-T.
Other names: p.P220L:CCC>CTC; c.629C>T, p.Pro210Leu (NM_001081752.3, NM_001278917.2); c.674C>T, p.Pro225Leu (NM_001081753.3, NM_001081754.3); c.659C>T, p.Pro220Leu (NM_001081755.3, NM_001278912.2, NM_001278915.2 and 1 more transcripts); c.644C>T, p.Pro215Leu (NM_001278914.2); c.527C>T, p.Pro176Leu (NM_001278918.2); c.644-452C>T (NM_001278916.2); c.578-452C>T (NM_001278913.2); short protein forms P220L, P210L, P215L, P225L, P176L.
Identifiers: ClinVar variation 213175 (VCV000213175.18), dbSNP rs201012726, ClinGen allele CA322484.
Genomic context (GRCh38, chr7:74,047,690, plus strand): 5'-GCAAGGCATGGGGCAGCCCCTGAGTTTGCTCTGTCCTCTCTCCAGGTGGCTATGGACTGC[C>T]CTACACCACAGGGAAACTGCCCTATGGTGAGTGAGACCCTTCTAGACTGTGGGCTTCCAG-3'
Protein context (NP_000492.2, residues 210-230): APKLPGGYGL[Pro220Leu]YTTGKLPYGY

ClinVar aggregate classification (germline): Conflicting classifications of pathogenicity. Review status: criteria provided, conflicting classifications (1 of 4 stars). 7 submissions from 6 submitters: Uncertain significance (6); Likely benign (1). Last evaluated 2026-06-01.

Conditions:
ELN-related disorder.
Supravalvar aortic stenosis (SVAS). Also called: Supravalvar aortic stenosis, Eisenberg type. Identifiers: Orphanet 3193, MedGen C0003499, MONDO:0008504, OMIM 185500, HP:0004381.
Cutis laxa, autosomal dominant 1 (ADCL1). Also called: ELN-Related Cutis Laxa. Identifiers: Orphanet 90348, MedGen C3276539, MONDO:0007411, OMIM 123700. Disease mechanism: Dominant Negative.

Allele frequency attached by ClinVar (database versions not stated): gnomAD exomes 0.00005 and 0.00006; TOPMed 0.00005; gnomAD 0.00006; ExAC 0.00007; ESP Exome Variant Server 0.00008.
gnomAD v4.1: 80 of 1,614,018 alleles (0.005%); highest among the groups gnomAD compares: Non-Finnish European, 0.0066%; no homozygotes.

Submissions (7):

CeGaT Center for Human Genetics Tuebingen
Classification: Uncertain significance. Last evaluated: 2026-06-01. Review status: criteria provided, single submitter. Criteria: CeGaT Center For Human Genetics Tuebingen Variant Classification Criteria Version 2. Collection method: clinical testing. Allele origin: germline. Affected: yes. Observed: 1 variant allele.

Labcorp Genetics (formerly Invitae), Labcorp
Classification: Uncertain significance for Supravalvar aortic stenosis. Last evaluated: 2026-01-27. Review status: criteria provided, single submitter. Criteria: Invitae Variant Classification Sherloc (09022015). Collection method: clinical testing. Allele origin: germline.
Comment: This sequence change replaces proline, which is neutral and non-polar, with leucine, which is neutral and non-polar, at codon 220 of the ELN protein (p.Pro220Leu). This variant is present in population databases (rs201012726, gnomAD 0.01%). This missense change has been observed in individual(s) with supravalvular aortic stenosis (PMID: 11175284). ClinVar contains an entry for this variant (Variation ID: 213175). Invitae Evidence Modeling of protein sequence and biophysical properties (such as structural, functional, and spatial information, amino acid conservation, physicochemical variation, residue mobility, and thermodynamic stability) indicates that this missense variant is not expected to disrupt ELN protein function with a negative predictive value of 80%. In summary, the available evidence is currently insufficient to determine the role of this variant in disease. Therefore, it has been classified as a Variant of Uncertain Significance.

PreventionGenetics, part of Exact Sciences
Classification: Uncertain significance for ELN-related condition. Last evaluated: 2025-05-28. Review status: criteria provided, single submitter. Criteria: ACMG Guidelines, 2015. Collection method: clinical testing. Allele origin: germline.
Comment: The ELN c.659C>T variant is predicted to result in the amino acid substitution p.Pro220Leu. However, no additional studies were performed to help assess the pathogenicity of this variant. This variant is reported in 0.012% of alleles in individuals of European (Non-Finnish) descent in gnomAD. At this time, the clinical significance of this variant is uncertain due to the absence of conclusive functional and genetic evidence.

GeneDx
Classification: Uncertain significance. Last evaluated: 2024-12-26. Review status: criteria provided, single submitter. Criteria: GeneDx Variant Classification Process June 2021. Collection method: clinical testing. Allele origin: germline. Affected: yes.
Comment: In silico analysis supports that this missense variant has a deleterious effect on protein structure/function; This variant is associated with the following publications: (PMID: 11735026, 15990952, 34426522, 29501665, 39604264, 11175284)

Institute of Human Genetics, University of Leipzig Medical Center
Classification: Uncertain significance for Cutis laxa, autosomal dominant 1. Last evaluated: 2019-01-01. Review status: criteria provided, single submitter. Criteria: ACMG Guidelines, 2015. Collection method: clinical testing. Allele origin: unknown. Affected: yes.

Illumina Laboratory Services, Illumina
Classification: Likely benign for Cutis laxa, autosomal dominant 1. Last evaluated: 2018-01-12. Review status: criteria provided, single submitter. Criteria: ICSL Variant Classification Criteria 13 December 2019. Collection method: clinical testing. Allele origin: germline.
Comment: This variant was observed in the ICSL laboratory as part of a predisposition screen in an ostensibly healthy population. It had not been previously curated by ICSL or reported in the Human Gene Mutation Database (HGMD: prior to June 1st, 2018), and was therefore a candidate for classification through an automated scoring system. Utilizing variant allele frequency, disease prevalence and penetrance estimates, and inheritance mode, an automated score was calculated to assess if this variant is too frequent to cause the disease. Based on the score and internal cut-off values, a variant classified as likely benign is not then subjected to further curation. The score for this variant resulted in a classification of likely benign for this disease.

Illumina Laboratory Services, Illumina
Classification: Uncertain significance for Supravalvar aortic stenosis. Last evaluated: 2018-01-12. Review status: criteria provided, single submitter. Criteria: ICSL Variant Classification Criteria 13 December 2019. Collection method: clinical testing. Allele origin: germline.

Literature cited by the submitters: PubMed 11175284 (cited by Labcorp Genetics (formerly Invitae), Labcorp).